The following is an entry in ClinVar:

ClinVar aggregate classification (germline): Uncertain significance. Review status: criteria provided, multiple submitters, no conflicts (2 of 4 stars). 2 submissions from 2 submitters: Uncertain significance (2). Last evaluated 2023-04-07.

Conditions:
Hereditary cancer-predisposing syndrome. Also called: Neoplastic Syndromes, Hereditary; Tumor predisposition; Hereditary Cancer Syndrome; Hereditary neoplastic syndrome. Identifiers: Orphanet 140162, MedGen C0027672, MeSH D009386, MONDO:0015356.
Ataxia-telangiectasia syndrome (AT). Also called: LOUIS-BAR SYNDROME; Cerebello-oculocutaneous telangiectasia; Immunodeficiency with ataxia telangiectasia; Ataxia-telangiectasia, complementation group D; AT, COMPLEMENTATION GROUP C; ATAXIA-TELANGIECTASIA, COMPLEMENTATION GROUP A. Identifiers: Orphanet 100, MedGen C0004135, MONDO:0008840, OMIM 208900.

Submissions (2):

Labcorp Genetics (formerly Invitae), Labcorp
Classification: Uncertain significance for Ataxia-telangiectasia syndrome. Last evaluated: 2023-04-07. Review status: criteria provided, single submitter. Criteria: Invitae Variant Classification Sherloc (09022015). Collection method: clinical testing. Allele origin: germline.
Comment: ClinVar contains an entry for this variant (Variation ID: 1738680). In summary, the available evidence is currently insufficient to determine the role of this variant in disease. Therefore, it has been classified as a Variant of Uncertain Significance. An algorithm developed to predict the effect of missense changes on protein structure and function (PolyPhen-2) suggests that this variant is likely to be disruptive. This variant has not been reported in the literature in individuals affected with ATM-related conditions. This variant is not present in population databases (gnomAD no frequency). This sequence change replaces lysine, which is basic and polar, with glutamine, which is neutral and polar, at codon 1402 of the ATM protein (p.Lys1402Gln).

Ambry Genetics
Classification: Uncertain significance for Hereditary cancer-predisposing syndrome. Last evaluated: 2022-09-16. Review status: criteria provided, single submitter. Criteria: Ambry Variant Classification Scheme 2023. Collection method: clinical testing. Allele origin: germline.
Comment: The p.K1402Q variant (also known as c.4204A>C), located in coding exon 27 of the ATM gene, results from an A to C substitution at nucleotide position 4204. The lysine at codon 1402 is replaced by glutamine, an amino acid with similar properties. This amino acid position is conserved. In addition, this alteration is predicted to be tolerated by in silico analysis. Since supporting evidence is limited at this time, the clinical significance of this alteration remains unclear.

NM_000051.4(ATM):c.4204A>C (p.Lys1402Gln)

Gene: ATM (ATM serine/threonine kinase; plus strand). Cytogenetic location: 11q22.3.
Variant type: single nucleotide variant.
Coding change: c.4204A>C on transcript NM_000051.4 (MANE Select); coding-DNA position 4204, A replaced by C.
Protein change: p.Lys1402Gln; replaces lysine 1402 with glutamine.
Molecular consequence: missense variant.
Genome position (GRCh38, 1-based): chr11:108,289,071, A>C. VCF-style: chr11-108289071-A-C. GRCh37 (hg19) VCF-style: chr11-108159798-A-C.
Other names: c.4204A>C, p.Lys1402Gln (NM_001351834.2); short protein forms K1402Q.
Identifiers: ClinVar variation 1738680 (VCV001738680.5), dbSNP rs2135753140, ClinGen allele CA382530369.